The following is an entry in ClinVar:

ClinVar aggregate classification (germline): Uncertain significance (1 of 4 stars; one submission).

Conditions:
Intellectual developmental disorder, X-linked, syndromic 14. Also called: Syndromic X-linked intellectual disability 14. Identifiers: Orphanet 776, MedGen C1970822, MONDO:0010398, OMIM 300676.

Submission:

Laboratorio de Genetica e Diagnostico Molecular, Hospital Israelita Albert Einstein
Classification: Uncertain significance for Intellectual developmental disorder, X-linked, syndromic 14. Last evaluated: 2025-04-19. Review status: criteria provided, single submitter. Criteria: ACMG Guidelines, 2015. Collection method: clinical testing. Allele origin: germline. Affected: yes.
Comment: ACMG classification criteria: PM2 supporting, BP4 supporting

NM_080632.3(UPF3B):c.714A>T (p.Glu238Asp)

Gene: UPF3B (UPF3B regulator of nonsense mediated mRNA decay; minus strand). Cytogenetic location: Xq24.
Variant type: single nucleotide variant.
Coding change: c.714A>T on transcript NM_080632.3 (MANE Select); coding-DNA position 714, A replaced by T.
Protein change: p.Glu238Asp; replaces glutamic acid 238 with aspartic acid.
Molecular consequence: missense variant.
Genome position (GRCh38, 1-based): chrX:119,841,169, T>A on the plus strand (A>T on the coding strand, the complement: UPF3B is on the minus strand). VCF-style: chrX-119841169-T-A. GRCh37 (hg19) VCF-style: chrX-118975132-T-A.
Other names: c.714A>T, p.Glu238Asp (NM_023010.4); short protein forms E238D.
Identifiers: ClinVar variation 4076293 (VCV004076293.1).